The following is an entry in ClinVar:

NM_018942.3(HMX1):c.515C>T (p.Pro172Leu)

Gene: HMX1 (H6 family homeobox 1; minus strand). Cytogenetic location: 4p16.1.
Variant type: single nucleotide variant.
Coding change: c.515C>T on transcript NM_018942.3 (MANE Select); coding-DNA position 515, C replaced by T.
Protein change: p.Pro172Leu; replaces proline 172 with leucine.
Molecular consequence: missense variant. On other transcripts: intron variant (1).
Genome position (GRCh38, 1-based): chr4:8,868,225, G>A on the plus strand (C>T on the coding strand, the complement: HMX1 is on the minus strand). VCF-style: chr4-8868225-G-A. GRCh37 (hg19) VCF-style: chr4-8869951-G-A.
Other names: c.394+2996C>T (NM_001306142.2); c.515C>T (NM_018942.2); short protein forms P172L.
Identifiers: ClinVar variation 999363 (VCV000999363.7), dbSNP rs528729403, ClinGen allele CA92349801.

ClinVar aggregate classification (germline): Uncertain significance. Review status: criteria provided, multiple submitters, no conflicts (2 of 4 stars). 3 submissions from 3 submitters: Uncertain significance (3). Last evaluated 2025-05-09.

Conditions:
Inborn genetic diseases. Identifiers: MedGen C0950123, MeSH D030342.

Allele frequency attached by ClinVar (database versions not stated): gnomAD exomes 0.00008; TOPMed 0.00010; 1000 Genomes Project 30x 0.00031; 1000 Genomes Project 0.00060.
gnomAD v4.1: 49 of 1,439,208 alleles (0.0034%); highest among the groups gnomAD compares: East Asian, 0.075%; no homozygotes.

Submissions (3):

Ambry Genetics
Classification: Uncertain significance for Inborn genetic diseases. Last evaluated: 2025-05-09. Review status: criteria provided, single submitter. Criteria: Ambry Variant Classification Scheme 2023. Collection method: clinical testing. Allele origin: germline.

Blueprint Genetics
Classification: Uncertain significance. Last evaluated: 2023-11-29. Review status: criteria provided, single submitter. Criteria: ACMG Guidelines, 2015. Collection method: clinical testing. Allele origin: germline.

Labcorp Genetics (formerly Invitae), Labcorp
Classification: Uncertain significance. Last evaluated: 2023-09-08. Review status: criteria provided, single submitter. Criteria: Invitae Variant Classification Sherloc (09022015). Collection method: clinical testing. Allele origin: germline.
Comment: This sequence change replaces proline, which is neutral and non-polar, with leucine, which is neutral and non-polar, at codon 172 of the HMX1 protein (p.Pro172Leu). This variant is present in population databases (rs528729403, gnomAD 0.2%). This variant has not been reported in the literature in individuals affected with HMX1-related conditions. ClinVar contains an entry for this variant (Variation ID: 999363). Advanced modeling of protein sequence and biophysical properties (such as structural, functional, and spatial information, amino acid conservation, physicochemical variation, residue mobility, and thermodynamic stability) performed at Invitae indicates that this missense variant is not expected to disrupt HMX1 protein function. In summary, the available evidence is currently insufficient to determine the role of this variant in disease. Therefore, it has been classified as a Variant of Uncertain Significance.